The following is an entry in ClinVar:

ClinVar aggregate classification (germline): Uncertain significance (1 of 4 stars; one submission).

Submission:

Women's Health and Genetics/Laboratory Corporation of America, LabCorp
Classification: Uncertain significance. Last evaluated: 2022-08-16. Review status: criteria provided, single submitter. Criteria: LabCorp Variant Classification Summary - May 2015. Collection method: clinical testing. Allele origin: germline.
Comment: Variant summary: UNG c.*70_*71delAA is located in the untranslated mRNA region downstream of the termination codon. The variant was absent in 250702 control chromosomes. The available data on variant occurrences in the general population are insufficient to allow any conclusion about variant significance. To our knowledge, no occurrence of c.*70_*71delAA in individuals affected with Hyper IgM Syndrome Type 5 and no experimental evidence demonstrating its impact on protein function have been reported. No clinical diagnostic laboratories have submitted clinical-significance assessments for this variant to ClinVar after 2014. Based on the evidence outlined above, the variant was classified as uncertain significance.

NM_080911.3(UNG):c.*70_*71del

Gene: UNG (uracil DNA glycosylase; plus strand). Cytogenetic location: 12q24.11.
Variant type: Deletion.
Coding change: c.*70_*71del on transcript NM_080911.3 (MANE Select); 70 bases downstream of the stop codon through 71 bases downstream of the stop codon, 2 bases deleted (AA; older notation c.*70_*71delAA).
Molecular consequence: 3 prime UTR variant.
Genome position (GRCh38, 1-based): chr12:109,110,039-109,110,040, AA deleted; deleting any 2 consecutive bases within chr12:109,110,037-109,110,040 gives the same sequence; the c. name uses the placement nearest the transcript's 3' end. VCF-style (leftmost placement, unchanged base first): chr12-109110036-GAA-G. GRCh37 (hg19) VCF-style: chr12-109547841-GAA-G.
Other names: c.*70_*71del (LRG_124t1, NM_003362.4).
Identifiers: ClinVar variation 36893 (VCV000036893.3), dbSNP rs193922714, ClinGen allele CA214384.